The following is an entry in ClinVar:

NM_001037333.3(CYFIP2):c.2302A>T (p.Thr768Ser)

Gene: CYFIP2 (cytoplasmic FMR1 interacting protein 2; plus strand). Cytogenetic location: 5q33.3.
Variant type: single nucleotide variant.
Coding change: c.2302A>T on transcript NM_001037333.3 (MANE Select); coding-DNA position 2302, A replaced by T.
Protein change: p.Thr768Ser; replaces threonine 768 with serine.
Molecular consequence: missense variant.
Genome position (GRCh38, 1-based): chr5:157,333,363, A>T. VCF-style: chr5-157333363-A-T. GRCh37 (hg19) VCF-style: chr5-156760371-A-T.
Other names: c.2224A>T, p.Thr742Ser (NM_001291721.2); c.2377A>T, p.Thr793Ser (NM_001291722.2); c.2302A>T, p.Thr768Ser (NM_014376.4); short protein forms T742S, T768S, T793S.
Identifiers: ClinVar variation 3366021 (VCV003366021.1).

ClinVar aggregate classification (germline): Uncertain significance (1 of 4 stars; one submission).

gnomAD v4.1: 2 of 1,613,804 alleles (0.00012%); highest among the groups gnomAD compares: Admixed American, 0.0017%; no homozygotes.

Submission:

GeneDx
Classification: Uncertain significance. Last evaluated: 2023-10-11. Review status: criteria provided, single submitter. Criteria: GeneDx Variant Classification Process June 2021. Collection method: clinical testing. Allele origin: germline. Affected: yes.
Comment: Not observed at significant frequency in large population cohorts (gnomAD); In silico analysis supports that this missense variant does not alter protein structure/function; Has not been previously published as pathogenic or benign to our knowledge